The following is an entry in ClinVar:

NM_025144.4(ALPK1):c.3283T>A (p.Phe1095Ile)

Gene: ALPK1 (alpha kinase 1; plus strand). Cytogenetic location: 4q25.
Variant type: single nucleotide variant.
Coding change: c.3283T>A on transcript NM_025144.4 (MANE Select); coding-DNA position 3283, T replaced by A.
Protein change: p.Phe1095Ile; replaces phenylalanine 1095 with isoleucine.
Molecular consequence: missense variant.
Genome position (GRCh38, 1-based): chr4:112,438,578, T>A. VCF-style: chr4-112438578-T-A. GRCh37 (hg19) VCF-style: chr4-113359734-T-A.
Other names: c.3049T>A, p.Phe1017Ile (NM_001253884.2); c.3283T>A, p.Phe1095Ile (NM_001102406.2); short protein forms F1095I, F1017I.
Identifiers: ClinVar variation 3665679 (VCV003665679.2).

ClinVar aggregate classification (germline): Uncertain significance (1 of 4 stars; one submission).

Submission:

Labcorp Genetics (formerly Invitae), Labcorp
Classification: Uncertain significance. Last evaluated: 2024-11-13. Review status: criteria provided, single submitter. Criteria: Invitae Variant Classification Sherloc (09022015). Collection method: clinical testing. Allele origin: germline.
Comment: This sequence change replaces phenylalanine, which is neutral and non-polar, with isoleucine, which is neutral and non-polar, at codon 1095 of the ALPK1 protein (p.Phe1095Ile). This variant is not present in population databases (gnomAD no frequency). This variant has not been reported in the literature in individuals affected with ALPK1-related conditions. Invitae Evidence Modeling of protein sequence and biophysical properties (such as structural, functional, and spatial information, amino acid conservation, physicochemical variation, residue mobility, and thermodynamic stability) indicates that this missense variant is expected to disrupt ALPK1 protein function with a positive predictive value of 80%. In summary, the available evidence is currently insufficient to determine the role of this variant in disease. Therefore, it has been classified as a Variant of Uncertain Significance.